The following is an entry in ClinVar:

ClinVar aggregate classification (germline): Conflicting classifications of pathogenicity. Review status: criteria provided, conflicting classifications (1 of 4 stars). 10 submissions from 6 submitters: Uncertain significance (4); Benign (4); Likely benign (2). Last evaluated 2026-01-19.

Conditions:
Cardiovascular phenotype. Identifiers: MedGen CN230736.
Dilated cardiomyopathy 1G (CMD1G). Identifiers: Orphanet 154, MedGen C1858763, MONDO:0011400, OMIM 604145.
Autosomal recessive limb-girdle muscular dystrophy type 2J (LGMDR10). Also called: MUSCULAR DYSTROPHY, LIMB-GIRDLE, AUTOSOMAL RECESSIVE 10; Limb-girdle muscular dystrophy, type 2J. Identifiers: Orphanet 140922, MedGen C1837342, MONDO:0012127, OMIM 608807.
Early-onset myopathy with fatal cardiomyopathy (CMYO5). Also called: CONGENITAL MYOPATHY 5 WITH CARDIOMYOPATHY; Salih Myopathy. Identifiers: Orphanet 289377, MedGen C2673677, MONDO:0012714, OMIM 611705. Disease mechanism: loss of function.
Myopathy, myofibrillar, 9, with early respiratory failure (MFM9). Also called: EDSTROM MYOPATHY; MYOPATHY, PROXIMAL, WITH EARLY RESPIRATORY MUSCLE INVOLVEMENT; Myopathy, distal, with early respiratory failure, autosomal dominant; Hereditary myopathy with early respiratory failure. Identifiers: Orphanet 178464, Orphanet 34521, MedGen C1863599, MONDO:0011362, OMIM 603689.
Tibial muscular dystrophy (TMD). Also called: UDD MYOPATHY; Tibial muscular dystrophy, tardive; Udd Distal Myopathy – Tibial Muscular Dystrophy. Identifiers: Orphanet 609, MedGen C1838244, MONDO:0010870, OMIM 600334.

Allele frequency attached by ClinVar (database versions not stated): gnomAD 0.00001 and 0.00008; TOPMed 0.00003; gnomAD exomes 0.00024 and 0.00035; ExAC 0.00048; 1000 Genomes Project 30x 0.00078; 1000 Genomes Project 0.00100.
gnomAD v4.1: 341 of 1,553,828 alleles (0.022%); highest among the groups gnomAD compares: East Asian, 0.72%; 1 homozygote.

Submissions (10):

Labcorp Genetics (formerly Invitae), Labcorp
Classification: Benign for Dilated cardiomyopathy 1G; Autosomal recessive limb-girdle muscular dystrophy type 2J. Last evaluated: 2026-01-19. Review status: criteria provided, single submitter. Criteria: Invitae Variant Classification Sherloc (09022015). Collection method: clinical testing. Allele origin: germline.

Women's Health and Genetics/Laboratory Corporation of America, LabCorp
Classification: Benign. Last evaluated: 2022-07-05. Review status: criteria provided, single submitter. Criteria: LabCorp Variant Classification Summary - May 2015. Collection method: clinical testing. Allele origin: germline.
Comment: Variant summary: TTN c.65099G>A (p.Arg21700His) results in a non-conservative amino acid change located in the A-band of the encoded protein sequence. Four of five in-silico tools predict a damaging effect of the variant on protein function. The variant allele was found at a frequency of 0.00035 in 198732 control chromosomes, predominantly at a frequency of 0.004 within the East Asian subpopulation in the gnomAD database, including 1 homozygotes. The observed variant frequency within East Asian control individuals in the gnomAD database is approximately 10 fold of the estimated maximal expected allele frequency for a pathogenic variant in TTN causing Dilated Cardiomyopathy phenotype (0.00039), strongly suggesting that the variant is a benign polymorphism found primarily in populations of East Asian origin. c.65099G>A has been reported in the literature in individuals affected with Dilated Cardiomyopathy. This report does not provide unequivocal conclusions about association of the variant with Dilated Cardiomyopathy. To our knowledge, no experimental evidence demonstrating an impact on protein function has been reported. Four clinical diagnostic laboratories have submitted clinical-significance assessments for this variant to ClinVar after 2014 without evidence for independent evaluation. Based on the evidence outlined above, the variant was classified as benign.

Ambry Genetics
Classification: Likely benign for Cardiovascular phenotype. Last evaluated: 2020-03-05. Review status: criteria provided, single submitter. Criteria: Ambry Variant Classification Scheme 2023. Collection method: clinical testing. Allele origin: germline.

GeneDx
Classification: Likely benign. Last evaluated: 2018-08-16. Review status: criteria provided, single submitter. Criteria: GeneDx Variant Classification Process June 2021. Collection method: clinical testing. Allele origin: germline. Affected: yes.
Comment: This variant is associated with the following publications: (PMID: 28771489, 23239622, 23861362)

Illumina Laboratory Services, Illumina
Classification: Benign for Myopathy, myofibrillar, 9, with early respiratory failure. Last evaluated: 2018-01-12. Review status: criteria provided, single submitter. Criteria: ICSL Variant Classification Criteria 13 December 2019. Collection method: clinical testing. Allele origin: germline.
Comment: This variant was observed in the ICSL laboratory as part of a predisposition screen in an ostensibly healthy population. It had not been previously curated by ICSL or reported in the Human Gene Mutation Database (HGMD: prior to June 1st, 2018), and was therefore a candidate for classification through an automated scoring system. Utilizing variant allele frequency, disease prevalence and penetrance estimates, and inheritance mode, an automated score was calculated to assess if this variant is too frequent to cause the disease. Based on the score and internal cut-off values, a variant classified as benign is not then subjected to further curation. The score for this variant resulted in a classification of benign for this disease.

Illumina Laboratory Services, Illumina
Classification: Uncertain significance for Dilated cardiomyopathy 1G. Last evaluated: 2018-01-12. Review status: criteria provided, single submitter. Criteria: ICSL Variant Classification Criteria 13 December 2019. Collection method: clinical testing. Allele origin: germline.

Illumina Laboratory Services, Illumina
Classification: Benign for Tibial muscular dystrophy. Last evaluated: 2018-01-12. Review status: criteria provided, single submitter. Criteria: ICSL Variant Classification Criteria 13 December 2019. Collection method: clinical testing. Allele origin: germline.
Comment: the same text as in the submission from Illumina Laboratory Services, Illumina above.

Illumina Laboratory Services, Illumina
Classification: Uncertain significance for Autosomal recessive limb-girdle muscular dystrophy type 2J. Last evaluated: 2018-01-12. Review status: criteria provided, single submitter. Criteria: ICSL Variant Classification Criteria 13 December 2019. Collection method: clinical testing. Allele origin: germline.

Illumina Laboratory Services, Illumina
Classification: Uncertain significance for Early-onset myopathy with fatal cardiomyopathy. Last evaluated: 2018-01-12. Review status: criteria provided, single submitter. Criteria: ICSL Variant Classification Criteria 13 December 2019. Collection method: clinical testing. Allele origin: germline.

Biesecker Lab/Clinical Genomics Section, National Institutes of Health
Classification: Uncertain significance. Last evaluated: 2013-06-24. Review status: criteria provided, single submitter. Criteria: Ng et al. (Circ Cardiovasc Genet. 2013). Collection method: research. Allele origin: unknown. Observed: 1 variant allele. Study: ClinSeq.
Comment: The study set was not selected for affection status in relation to any cancer. Pathogenicity categories were based on literature curation. See Pubmed ID:23861362 for details.

Medical sequencing

Literature cited by the submitters: PubMed 33552729 (cited by Women's Health and Genetics/Laboratory Corporation of America, LabCorp).

NM_001267550.2(TTN):c.72803G>A (p.Arg24268His)

Genes: TTN (titin; minus strand), TTN-AS1 (TTN antisense RNA 1; plus strand). Cytogenetic location: 2q31.2.
Variant type: single nucleotide variant.
Coding change: c.72803G>A on transcript NM_001267550.2 (MANE Select); coding-DNA position 72803, G replaced by A.
Protein change: p.Arg24268His; replaces arginine 24268 with histidine.
Molecular consequence: missense variant.
Genome position (GRCh38, 1-based): chr2:178,573,329, C>T on the plus strand (G>A on the coding strand, the complement: TTN is on the minus strand). VCF-style: chr2-178573329-C-T. GRCh37 (hg19) VCF-style: chr2-179438056-C-T.
Other names: c.67880G>A, p.Arg22627His (NM_001256850.1); c.45608G>A, p.Arg15203His (NM_003319.4); c.65099G>A, p.Arg21700His (NM_133378.4); c.45983G>A, p.Arg15328His (NM_133432.3); c.46184G>A, p.Arg15395His (NM_133437.4); short protein forms R21700H, R24268H, R22627H, R15395H, R15203H, R15328H.
Identifiers: ClinVar variation 191899 (VCV000191899.21), dbSNP rs140018785, ClinGen allele CA237818.